The following is an entry in ClinVar:

NM_001127208.3(TET2):c.40C>A (p.Leu14Ile)

Genes: TET2 (tet methylcytosine dioxygenase 2; plus strand), TET2-AS1 (TET2 antisense RNA 1; minus strand). Cytogenetic location: 4q24.
Variant type: single nucleotide variant.
Coding change: c.40C>A on transcript NM_001127208.3 (MANE Select); coding-DNA position 40, C replaced by A.
Protein change: p.Leu14Ile; replaces leucine 14 with isoleucine.
Molecular consequence: missense variant.
Genome position (GRCh38, 1-based): chr4:105,233,982, C>A. VCF-style: chr4-105233982-C-A. GRCh37 (hg19) VCF-style: chr4-106155139-C-A.
Other names: c.40C>A, p.Leu14Ile (NM_017628.4); short protein forms L14I.
Identifiers: ClinVar variation 4182983 (VCV004182983.1).

ClinVar aggregate classification (germline): Uncertain significance (1 of 4 stars; one submission).

Submission:

Ambry Genetics
Classification: Uncertain significance. Last evaluated: 2025-07-22. Review status: criteria provided, single submitter. Criteria: Ambry Variant Classification Scheme 2023. Collection method: clinical testing. Allele origin: germline.
Comment: The p.L14I variant (also known as c.40C>A), located in coding exon 1 of the TET2 gene, results from a C to A substitution at nucleotide position 40. The leucine at codon 14 is replaced by isoleucine, an amino acid with highly similar properties. This amino acid position is conserved. In addition, this alteration is predicted to be tolerated by in silico analysis. Based on the available evidence, the clinical significance of this variant remains unclear.